The following is an entry in ClinVar:

NM_001270974.2(HYDIN):c.5143C>A (p.Gln1715Lys)

Gene: HYDIN (HYDIN axonemal central pair apparatus protein; minus strand). Cytogenetic location: 16q22.2.
Variant type: single nucleotide variant.
Coding change: c.5143C>A on transcript NM_001270974.2 (MANE Select); coding-DNA position 5143, C replaced by A.
Protein change: p.Gln1715Lys; replaces glutamine 1715 with lysine.
Molecular consequence: missense variant.
Genome position (GRCh38, 1-based): chr16:70,973,915, G>T on the plus strand (C>A on the coding strand, the complement: HYDIN is on the minus strand). VCF-style: chr16-70973915-G-T. GRCh37 (hg19) VCF-style: chr16-71007818-G-T.
Other names: short protein forms Q1715K.
Identifiers: ClinVar variation 2646767 (VCV002646767.24), dbSNP rs757693975, ClinGen allele CA8150577.

ClinVar aggregate classification (germline): Likely benign (1 of 4 stars; one submission).

Allele frequency attached by ClinVar (database versions not stated): ExAC 0.00006.

Submission:

CeGaT Center for Human Genetics Tuebingen
Classification: Likely benign. Last evaluated: 2022-06-01. Review status: criteria provided, single submitter. Criteria: CeGaT Center For Human Genetics Tuebingen Variant Classification Criteria Version 2. Collection method: clinical testing. Allele origin: germline. Affected: yes. Observed: 1 variant allele.
Comment: HYDIN: BP4